The following is an entry in ClinVar:

ClinVar aggregate classification (germline): Uncertain significance (1 of 4 stars; one submission).

Submission:

Women's Health and Genetics/Laboratory Corporation of America, LabCorp
Classification: Uncertain significance. Last evaluated: 2025-06-12. Review status: criteria provided, single submitter. Criteria: LabCorp Variant Classification Summary - May 2015. Collection method: clinical testing. Allele origin: germline.
Comment: Variant summary: IVD c.1198T>C (p.Tyr400His) results in a conservative amino acid change in the encoded protein sequence. Algorithms developed to predict the effect of missense changes on protein structure and function are either unavailable or do not agree on the potential impact of this missense change. The variant was absent in 251470 control chromosomes. The available data on variant occurrences in the general population are insufficient to allow any conclusion about variant significance. To our knowledge, no occurrence of c.1198T>C in individuals affected with Isovaleryl-CoA Dehydrogenase Deficiency and no experimental evidence demonstrating its impact on protein function have been reported. No submitters have cited clinical-significance assessments for this variant to ClinVar. Based on the evidence outlined above, the variant was classified as uncertain significance.

NM_002225.5(IVD):c.1198T>C (p.Tyr400His)

Gene: IVD (isovaleryl-CoA dehydrogenase; plus strand). Cytogenetic location: 15q15.1.
Variant type: single nucleotide variant.
Coding change: c.1198T>C on transcript NM_002225.5 (MANE Select); coding-DNA position 1198, T replaced by C.
Protein change: p.Tyr400His; replaces tyrosine 400 with histidine.
Molecular consequence: missense variant. On other transcripts: intron variant (3).
Genome position (GRCh38, 1-based): chr15:40,418,189, T>C. VCF-style: chr15-40418189-T-C. GRCh37 (hg19) VCF-style: chr15-40710388-T-C.
Other names: c.1108T>C, p.Tyr370His (NM_001159508.3); c.1150T>C, p.Tyr384His (NM_001354597.3); c.1285T>C, p.Tyr429His (NM_001354599.3); c.1225+1827T>C (NM_001354600.3); c.1138+1827T>C (NM_001354598.3, NM_001354601.3); short protein forms Y370H, Y384H, Y400H, Y429H.
Identifiers: ClinVar variation 3907172 (VCV003907172.1).
Genomic context (GRCh38, chr15:40,418,189, plus strand): 5'-GGTGGCAATGGCTACATCAATGACTTTCCCATGGGCCGCTTTCTTCGAGATGCCAAGCTG[T>C]ATGAGATAGGGGCTGGGACCAGCGAGGTGAGGCGGCTGGTCATCGGCAGAGCCTTCAATG-3'
Protein context (NP_002216.3, residues 390-410): MGRFLRDAKL[Tyr400His]EIGAGTSEVR